The following is an entry in ClinVar:

ClinVar aggregate classification (germline): Uncertain significance (1 of 4 stars; one submission).

Conditions:
Cardiovascular phenotype. Identifiers: MedGen CN230736.
Hereditary cancer-predisposing syndrome. Also called: Tumor predisposition; Neoplastic Syndromes, Hereditary; Hereditary Cancer Syndrome; Hereditary neoplastic syndrome. Identifiers: Orphanet 140162, MedGen C0027672, MeSH D009386, MONDO:0015356.

Submission:

Ambry Genetics
Classification: Uncertain significance for Cardiovascular phenotype; Hereditary cancer-predisposing syndrome. Last evaluated: 2025-03-07. Review status: criteria provided, single submitter. Criteria: Ambry Variant Classification Scheme 2023. Collection method: clinical testing. Allele origin: germline.
Comment: The p.D674E variant (also known as c.2022C>G), located in coding exon 17 of the LZTR1 gene, results from a C to G substitution at nucleotide position 2022. The aspartic acid at codon 674 is replaced by glutamic acid, an amino acid with highly similar properties. This amino acid position is conserved. In addition, this alteration is predicted to be tolerated by in silico analysis. Based on the available evidence, the clinical significance of this variant remains unclear.

NM_006767.4(LZTR1):c.2022C>G (p.Asp674Glu)

Gene: LZTR1 (leucine zipper like post translational regulator 1; plus strand). Cytogenetic location: 22q11.21.
Variant type: single nucleotide variant.
Coding change: c.2022C>G on transcript NM_006767.4 (MANE Select); coding-DNA position 2022, C replaced by G.
Protein change: p.Asp674Glu; replaces aspartic acid 674 with glutamic acid.
Molecular consequence: missense variant.
Genome position (GRCh38, 1-based): chr22:20,995,825, C>G. VCF-style: chr22-20995825-C-G. GRCh37 (hg19) VCF-style: chr22-21350114-C-G.
Other names: short protein forms D674E.
Identifiers: ClinVar variation 3869347 (VCV003869347.1).